The following is an entry in ClinVar:

NM_000264.5(PTCH1):c.*2-1G>A

Gene: PTCH1 (patched 1; minus strand). Cytogenetic location: 9q22.32.
Variant type: single nucleotide variant.
Coding change: c.*2-1G>A on transcript NM_000264.5 (MANE Select); the canonical splice acceptor site of the intron before 2 bases downstream of the stop codon, G replaced by A.
Molecular consequence: splice acceptor variant.
Genome position (GRCh38, 1-based): chr9:95,446,392, C>T on the plus strand (G>A on the coding strand, the complement: PTCH1 is on the minus strand). VCF-style: chr9-95446392-C-T. GRCh37 (hg19) VCF-style: chr9-98208674-C-T.
Other names: c.*2-1G>A (NM_001083603.3, NM_001083602.3, NM_001354918.2 and 5 more transcripts).
Identifiers: ClinVar variation 2580522 (VCV002580522.3), dbSNP rs189667531, ClinGen allele CA196556377.

ClinVar aggregate classification (germline): Uncertain significance. Review status: criteria provided, multiple submitters, no conflicts (2 of 4 stars). 2 submissions from 2 submitters: Uncertain significance (2). Last evaluated 2026-05-07.

Conditions:
PTCH1-related disorder. Also called: PTCH1-related disorders; PTCH1-related condition.

Allele frequency attached by ClinVar (database versions not stated): gnomAD exomes 0.00003; TOPMed 0.00005; gnomAD 0.00006; 1000 Genomes Project 0.00040; 1000 Genomes Project 30x 0.00047.
gnomAD v4.1: 22 of 518,746 alleles (0.0042%); highest among the groups gnomAD compares: Non-Finnish European, 0.0081%; no homozygotes.

Submissions (2):

PreventionGenetics, part of Exact Sciences
Classification: Uncertain significance for PTCH1-related condition. Last evaluated: 2026-05-07. Review status: criteria provided, single submitter. Criteria: ACMG Guidelines, 2015. Collection method: clinical testing. Allele origin: germline.
Comment: The PTCH1 c.*2-1G>A variant is located in the 3' untranslated region. To our knowledge this variant has not been reported in the literature. This variant is reported in 0.0073% of alleles in individuals of European (Non-Finnish) descent in gnomAD and is classified as uncertain in ClinVar (Variation ID: 2580522). At this time, the clinical significance of this variant is uncertain due to the absence of conclusive functional and genetic evidence.

GeneDx
Classification: Uncertain significance. Last evaluated: 2025-07-01. Review status: criteria provided, single submitter. Criteria: GeneDx Variant Classification Process June 2021. Collection method: clinical testing. Allele origin: germline.
Comment: In silico analysis supports a deleterious effect on splicing; Observed in a pediatric patient with astrocytoma (PMID: 31970404); This variant is associated with the following publications: (PMID: 31970404)